The following is an entry in ClinVar:

ClinVar aggregate classification (germline): Pathogenic. Review status: criteria provided, multiple submitters, no conflicts (2 of 4 stars). 2 submissions from 2 submitters: Pathogenic (2). Last evaluated 2024-02-27.

Conditions:
Schimke immuno-osseous dysplasia (SIOD). Also called: Schimke Immunoosseous Dysplasia. Identifiers: Orphanet 1830, MedGen C0877024, MONDO:0009458, OMIM 242900.

Allele frequency attached by ClinVar (database versions not stated): gnomAD exomes below 0.00001.

Submissions (2):

Fulgent Genetics
Classification: Pathogenic for Schimke immuno-osseous dysplasia. Last evaluated: 2024-02-27. Review status: criteria provided, single submitter. Criteria: ACMG Guidelines, 2015. Collection method: clinical testing. Allele origin: germline.

Labcorp Genetics (formerly Invitae), Labcorp
Classification: Pathogenic for Schimke immuno-osseous dysplasia. Last evaluated: 2023-10-22. Review status: criteria provided, single submitter. Criteria: Invitae Variant Classification Sherloc (09022015). Collection method: clinical testing. Allele origin: germline.
Comment: This sequence change creates a premature translational stop signal (p.Arg611Alafs*23) in the SMARCAL1 gene. It is expected to result in an absent or disrupted protein product. Loss-of-function variants in SMARCAL1 are known to be pathogenic (PMID: 11799392, 20301550). This variant is present in population databases (no rsID available, gnomAD 0.0009%). This premature translational stop signal has been observed in individual(s) with Schimke immunoosseous dysplasia (PMID: 24197801). In at least one individual the data is consistent with being in trans (on the opposite chromosome) from a pathogenic variant. It has also been observed to segregate with disease in related individuals. This variant is also known as 2162delC. For these reasons, this variant has been classified as Pathogenic.

Literature cited by the submitters: PubMed 11799392 (cited by Labcorp Genetics (formerly Invitae), Labcorp); PubMed 20301550 (cited by Labcorp Genetics (formerly Invitae), Labcorp); PubMed 24197801 (cited by Labcorp Genetics (formerly Invitae), Labcorp).

NM_014140.4(SMARCAL1):c.1831del (p.Arg611fs)

Gene: SMARCAL1 (SNF2 related chromatin remodeling annealing helicase 1; plus strand). Cytogenetic location: 2q35.
Variant type: Deletion.
Coding change: c.1831del on transcript NM_014140.4 (MANE Select); coding-DNA position 1831, one base deleted (C; older notation c.1831delC).
Protein change: p.Arg611fs; shifts the reading frame from arginine 611.
Molecular consequence: frameshift variant.
Genome position (GRCh38, 1-based): chr2:216,447,138, C deleted. VCF-style (leftmost placement, unchanged base first): chr2-216447137-TC-T. GRCh37 (hg19) VCF-style: chr2-217311860-TC-T.
Other names: c.1831del, p.Arg611fs (NM_001127207.2); short protein forms R611fs.
Identifiers: ClinVar variation 2734388 (VCV002734388.5), dbSNP rs1253749894, ClinGen allele CA539565894.
Genomic context (GRCh38, chr2:216,447,137, plus strand): 5'-CTACACGCAGATCATCGCAGTCAAGCCAACTTTCTTCCCCCAGTTTCATGCCTTTGGACT[TC>T]GCTACTGTGATGCCAAACGGGTATGTATTATCTCTTCCCTCCCAGCCCACCCATTTCTCA-3'